The following is an entry in ClinVar:

NM_001556.3(IKBKB):c.881A>G (p.Tyr294Cys)

Gene: IKBKB (inhibitor of nuclear factor kappa B kinase subunit beta; plus strand). Cytogenetic location: 8p11.21.
Variant type: single nucleotide variant.
Coding change: c.881A>G on transcript NM_001556.3 (MANE Select); coding-DNA position 881, A replaced by G.
Protein change: p.Tyr294Cys; replaces tyrosine 294 with cysteine.
Molecular consequence: missense variant. On other transcripts: non-coding transcript variant (3).
Genome position (GRCh38, 1-based): chr8:42,316,290, A>G. VCF-style: chr8-42316290-A-G. GRCh37 (hg19) VCF-style: chr8-42173808-A-G.
Other names: c.689A>G, p.Tyr230Cys (NM_001190720.3); c.704A>G, p.Tyr235Cys (NM_001242778.2); short protein forms Y230C, Y294C, Y235C.
Identifiers: ClinVar variation 936448 (VCV000936448.1), dbSNP rs759786790, ClinGen allele CA4731831.

ClinVar aggregate classification (germline): Uncertain significance (1 of 4 stars; one submission).

Conditions:
Severe combined immunodeficiency due to IKK2 deficiency. Also called: IMMUNODEFICIENCY 15B; Immunodeficiency 15. Identifiers: Orphanet 397787, MedGen C4747743, MONDO:0014267, OMIM 615592.

Allele frequency attached by ClinVar (database versions not stated): gnomAD exomes below 0.00001; ExAC 0.00001.
gnomAD v4.1: 2 of 1,614,166 alleles (0.00012%); highest among the groups gnomAD compares: East Asian, 0.0022%; no homozygotes.

Submission:

Labcorp Genetics (formerly Invitae), Labcorp
Classification: Uncertain significance for Severe combined immunodeficiency due to IKK2 deficiency. Last evaluated: 2019-07-16. Review status: criteria provided, single submitter. Criteria: Invitae Variant Classification Sherloc (09022015). Collection method: clinical testing. Allele origin: germline.
Comment: This sequence change replaces tyrosine with cysteine at codon 294 of the IKBKB protein (p.Tyr294Cys). The tyrosine residue is highly conserved and there is a large physicochemical difference between tyrosine and cysteine. This variant is present in population databases (rs759786790, ExAC 0.002%). This variant has not been reported in the literature in individuals with IKBKB-related conditions. Algorithms developed to predict the effect of missense changes on protein structure and function are either unavailable or do not agree on the potential impact of this missense change (SIFT: "Tolerated"; PolyPhen-2: "Possibly Damaging"; Align-GVGD: "Class C15"). In summary, the available evidence is currently insufficient to determine the role of this variant in disease. Therefore, it has been classified as a Variant of Uncertain Significance.